The following is an entry in ClinVar:

NM_004656.4(BAP1):c.1462C>T (p.Pro488Ser)

Gene: BAP1 (BRCA1 associated deubiquitinase 1; minus strand). Cytogenetic location: 3p21.1.
Variant type: single nucleotide variant.
Coding change: c.1462C>T on transcript NM_004656.4 (MANE Select); coding-DNA position 1462, C replaced by T.
Protein change: p.Pro488Ser; replaces proline 488 with serine.
Molecular consequence: missense variant.
Genome position (GRCh38, 1-based): chr3:52,403,683, G>A on the plus strand (C>T on the coding strand, the complement: BAP1 is on the minus strand). VCF-style: chr3-52403683-G-A. GRCh37 (hg19) VCF-style: chr3-52437699-G-A.
Other names: c.1408C>T, p.Pro470Ser (NM_001410772.1); short protein forms P470S, P488S.
Identifiers: ClinVar variation 2565180 (VCV002565180.2), dbSNP rs2153226711, ClinGen allele CA353101196.

ClinVar aggregate classification (germline): Uncertain significance (1 of 4 stars; one submission).

Conditions:
Hereditary cancer-predisposing syndrome. Also called: Neoplastic Syndromes, Hereditary; Hereditary Cancer Syndrome; Hereditary neoplastic syndrome; Tumor predisposition. Identifiers: Orphanet 140162, MedGen C0027672, MeSH D009386, MONDO:0015356.

Submission:

Ambry Genetics
Classification: Uncertain significance for Hereditary cancer-predisposing syndrome. Last evaluated: 2023-05-28. Review status: criteria provided, single submitter. Criteria: Ambry Variant Classification Scheme 2023. Collection method: clinical testing. Allele origin: germline.
Comment: The p.P488S variant (also known as c.1462C>T), located in coding exon 13 of the BAP1 gene, results from a C to T substitution at nucleotide position 1462. The proline at codon 488 is replaced by serine, an amino acid with similar properties. This amino acid position is conserved. In addition, the in silico prediction for this alteration is inconclusive. Since supporting evidence is limited at this time, the clinical significance of this alteration remains unclear.